The following is an entry in ClinVar:

ClinVar aggregate classification (germline): Uncertain significance. Review status: criteria provided, multiple submitters, no conflicts (2 of 4 stars). 2 submissions from 2 submitters: Uncertain significance (2). Last evaluated 2023-02-17.

Allele frequency attached by ClinVar (database versions not stated): gnomAD exomes below 0.00001; TOPMed below 0.00001; gnomAD 0.00001.
gnomAD v4.1: 3 of 1,551,754 alleles (0.00019%); highest among the groups gnomAD compares: African/African-American, 0.0041%; no homozygotes.

Submissions (2):

GeneDx
Classification: Uncertain significance. Last evaluated: 2023-02-17. Review status: criteria provided, single submitter. Criteria: GeneDx Variant Classification Process June 2021. Collection method: clinical testing. Allele origin: germline. Affected: yes.
Comment: In silico analysis supports that this missense variant has a deleterious effect on protein structure/function; Has not been previously published as pathogenic or benign to our knowledge

Labcorp Genetics (formerly Invitae), Labcorp
Classification: Uncertain significance. Last evaluated: 2022-06-27. Review status: criteria provided, single submitter. Criteria: Invitae Variant Classification Sherloc (09022015). Collection method: clinical testing. Allele origin: germline.
Comment: This sequence change replaces arginine, which is basic and polar, with isoleucine, which is neutral and non-polar, at codon 543 of the CPLANE1 protein (p.Arg543Ile). This variant is present in population databases (no rsID available, gnomAD 0.01%). This variant has not been reported in the literature in individuals affected with CPLANE1-related conditions. Advanced modeling of protein sequence and biophysical properties (such as structural, functional, and spatial information, amino acid conservation, physicochemical variation, residue mobility, and thermodynamic stability) performed at Invitae indicates that this missense variant is expected to disrupt CPLANE1 protein function. In summary, the available evidence is currently insufficient to determine the role of this variant in disease. Therefore, it has been classified as a Variant of Uncertain Significance.

NM_001384732.1(CPLANE1):c.1628G>T (p.Arg543Ile)

Gene: CPLANE1 (ciliogenesis and planar polarity effector complex subunit 1; minus strand). Cytogenetic location: 5p13.2.
Variant type: single nucleotide variant.
Coding change: c.1628G>T on transcript NM_001384732.1 (MANE Select); coding-DNA position 1628, G replaced by T.
Protein change: p.Arg543Ile; replaces arginine 543 with isoleucine.
Molecular consequence: missense variant.
Genome position (GRCh38, 1-based): chr5:37,226,967, C>A on the plus strand (G>T on the coding strand, the complement: CPLANE1 is on the minus strand). VCF-style: chr5-37226967-C-A. GRCh37 (hg19) VCF-style: chr5-37227069-C-A.
Other names: c.1628G>T, p.Arg543Ile (NM_023073.4); c.1628G>T (NM_023073.3); short protein forms R543I.
Identifiers: ClinVar variation 1366859 (VCV001366859.5), dbSNP rs1451330944, ClinGen allele CA359501102.